The following is an entry in ClinVar:

ClinVar aggregate classification (germline): Uncertain significance (1 of 4 stars; one submission).

gnomAD v4.1: 6 of 1,614,092 alleles (0.00037%); highest among the groups gnomAD compares: Non-Finnish European, 0.00051%; no homozygotes.

Submission:

Women's Health and Genetics/Laboratory Corporation of America, LabCorp
Classification: Uncertain significance. Last evaluated: 2024-05-22. Review status: criteria provided, single submitter. Criteria: LabCorp Variant Classification Summary - May 2015. Collection method: clinical testing. Allele origin: germline.
Comment: Variant summary: NDUFV1 c.262C>G (p.Arg88Gly) results in a non-conservative amino acid change located in the NADH-ubiquinone oxidoreductase 51kDa subunit, FMN-binding domain (IPR011538) of the encoded protein sequence. Five of five in-silico tools predict a damaging effect of the variant on protein function. The variant was absent in 251488 control chromosomes. c.262C>G has been reported in the literature as compound heterozygous genotype in an individual affected with Leigh Syndrome (Marin_2013). These report(s) do not provide unequivocal conclusions about association of the variant with Leigh Syndrome. At least one publication reports experimental evidence evaluating an impact on protein function. The most pronounced variant effect results in loss of intact Complex I formation, NADH oxidation and rate of NADH:ferricyanide (FeCN) oxidoreduction in a yeast model system (arghese_2015). The following publications have been ascertained in the context of this evaluation (PMID: 23266820, 26345448). ClinVar contains an entry for this variant (Variation ID: 430090). Based on the evidence outlined above, the variant was classified as VUS-possibly pathogenic.

Literature cited by the submitters: PubMed 26345448; PubMed 23266820.

NM_007103.4(NDUFV1):c.262C>G (p.Arg88Gly)

Gene: NDUFV1 (NADH:ubiquinone oxidoreductase core subunit V1; plus strand). Cytogenetic location: 11q13.2.
Variant type: single nucleotide variant.
Coding change: c.262C>G on transcript NM_007103.4 (MANE Select); coding-DNA position 262, C replaced by G.
Protein change: p.Arg88Gly; replaces arginine 88 with glycine.
Molecular consequence: missense variant.
Genome position (GRCh38, 1-based): chr11:67,608,658, C>G. VCF-style: chr11-67608658-C-G. GRCh37 (hg19) VCF-style: chr11-67376129-C-G.
Other names: c.235C>G, p.Arg79Gly (NM_001166102.2); short protein forms R79G, R88G.
Identifiers: ClinVar variation 3336445 (VCV003336445.1).